The following is an entry in ClinVar:

NM_005534.4(IFNGR2):c.514T>G (p.Phe172Val)

Gene: IFNGR2 (interferon gamma receptor 2; plus strand). Cytogenetic location: 21q22.11.
Variant type: single nucleotide variant.
Coding change: c.514T>G on transcript NM_005534.4 (MANE Select); coding-DNA position 514, T replaced by G.
Protein change: p.Phe172Val; replaces phenylalanine 172 with valine.
Molecular consequence: missense variant.
Genome position (GRCh38, 1-based): chr21:33,426,985, T>G. VCF-style: chr21-33426985-T-G. GRCh37 (hg19) VCF-style: chr21-34799292-T-G.
Other names: c.571T>G, p.Phe191Val (NM_001329128.2); short protein forms F172V, F191V.
Identifiers: ClinVar variation 2180635 (VCV002180635.4), dbSNP rs375419913, ClinGen allele CA10006953.

ClinVar aggregate classification (germline): Uncertain significance (1 of 4 stars; one submission).

Conditions:
Immunodeficiency 28 (IMD28). Also called: IFNGR2 DEFICIENCY. Identifiers: Orphanet 319547, Orphanet 319574, MedGen C4013947, MONDO:0013953, OMIM 614889.

Allele frequency attached by ClinVar (database versions not stated): ExAC 0.00001; ESP Exome Variant Server 0.00008.

Submission:

Labcorp Genetics (formerly Invitae), Labcorp
Classification: Uncertain significance for Immunodeficiency 28. Last evaluated: 2022-03-18. Review status: criteria provided, single submitter. Criteria: Invitae Variant Classification Sherloc (09022015). Collection method: clinical testing. Allele origin: germline.
Comment: In summary, the available evidence is currently insufficient to determine the role of this variant in disease. Therefore, it has been classified as a Variant of Uncertain Significance. Algorithms developed to predict the effect of missense changes on protein structure and function (SIFT, PolyPhen-2, Align-GVGD) all suggest that this variant is likely to be tolerated. This variant has not been reported in the literature in individuals affected with IFNGR2-related conditions. This variant is present in population databases (rs375419913, gnomAD 0.01%). This sequence change replaces phenylalanine, which is neutral and non-polar, with valine, which is neutral and non-polar, at codon 172 of the IFNGR2 protein (p.Phe172Val).